The following is an entry in ClinVar:

NM_013339.4(ALG6):c.212A>G (p.Asp71Gly)

Gene: ALG6 (ALG6 alpha-1,3-glucosyltransferase; plus strand). Cytogenetic location: 1p31.3.
Variant type: single nucleotide variant.
Coding change: c.212A>G on transcript NM_013339.4 (MANE Select); coding-DNA position 212, A replaced by G.
Protein change: p.Asp71Gly; replaces aspartic acid 71 with glycine.
Molecular consequence: missense variant.
Genome position (GRCh38, 1-based): chr1:63,402,298, A>G. VCF-style: chr1-63402298-A-G. GRCh37 (hg19) VCF-style: chr1-63867969-A-G.
Other names: short protein forms D71G.
Identifiers: ClinVar variation 4797939 (VCV004797939.1).

ClinVar aggregate classification (germline): Uncertain significance (1 of 4 stars; one submission).

Conditions:
ALG6-congenital disorder of glycosylation 1C (CDG1C). Also called: CDG Ic; Congenital disorder of glycosylation, type Ic; CARBOHYDRATE-DEFICIENT GLYCOPROTEIN SYNDROME, TYPE I, WITH DEFICIENT GLYCOSYLATION OF DOLICHOL-LINKED OLIGOSACCHARIDE; CARBOHYDRATE-DEFICIENT GLYCOPROTEIN SYNDROME, TYPE V; Congenital disorder of glycosylation type 1C. Identifiers: Orphanet 79320, MedGen C2930997, MONDO:0011291, OMIM 603147.

Submission:

Labcorp Genetics (formerly Invitae), Labcorp
Classification: Uncertain significance for ALG6-congenital disorder of glycosylation 1C. Last evaluated: 2025-06-04. Review status: criteria provided, single submitter. Criteria: Invitae Variant Classification Sherloc (09022015). Collection method: clinical testing. Allele origin: germline.
Comment: This sequence change replaces aspartic acid, which is acidic and polar, with glycine, which is neutral and non-polar, at codon 71 of the ALG6 protein (p.Asp71Gly). This variant is not present in population databases (gnomAD no frequency). This variant has not been reported in the literature in individuals affected with ALG6-related conditions. Invitae Evidence Modeling of protein sequence and biophysical properties (such as structural, functional, and spatial information, amino acid conservation, physicochemical variation, residue mobility, and thermodynamic stability) indicates that this missense variant is expected to disrupt ALG6 protein function with a positive predictive value of 80%. In summary, the available evidence is currently insufficient to determine the role of this variant in disease. Therefore, it has been classified as a Variant of Uncertain Significance.